The following is an entry in ClinVar:

ClinVar aggregate classification (germline): Uncertain significance (1 of 4 stars; one submission).

Conditions:
Charlevoix-Saguenay spastic ataxia (SACS). Also called: AUTOSOMAL RECESSIVE SPASTIC ATAXIA OF CHARLEVOIX-SAGUENAY; Spastic ataxia of Charlevoix-Saguenay; SPASTIC ATAXIA 6, AUTOSOMAL RECESSIVE. Identifiers: Orphanet 98, MedGen C1849140, MONDO:0010041, OMIM 270550.

Allele frequency attached by ClinVar (database versions not stated): gnomAD exomes below 0.00001.

Submission:

Neuberg Centre For Genomic Medicine, NCGM
Classification: Uncertain significance for Charlevoix-Saguenay spastic ataxia. Review status: criteria provided, single submitter. Criteria: ACMG Guidelines, 2015. Collection method: clinical testing. Allele origin: germline. Inheritance: Autosomal recessive inheritance. Affected: yes.
Comment: The frameshift variant has not been reported previously as a pathogenic variant nor as a benign variant, to our knowledge. This variant is novel (not in any individuals) in gnomAD Exomes and 1000 Genomes. Loss of function variants have been previously reported to be disease causing. However since this variant is present in the last exon functional studies will be required to prove protein truncation. For these reasons, the variant is classified as Uncertain Significance.

NM_014363.6(SACS):c.2926_2927insAT (p.Arg976fs)

Gene: SACS (sacsin molecular chaperone; minus strand). Cytogenetic location: 13q12.12.
Variant type: Insertion.
Coding change: c.2926_2927insAT on transcript NM_014363.6 (MANE Select); coding-DNA positions 2926 to 2927, AT inserted.
Protein change: p.Arg976fs; shifts the reading frame from arginine 976.
Molecular consequence: frameshift variant.
Genome position: GRCh38 VCF-style: chr13-23340949-C-CAT. GRCh37 (hg19) VCF-style: chr13-23915088-C-CAT.
Other names: c.2485_2486insAT, p.Arg829fs (NM_001278055.2); short protein forms R829fs, R976fs.
Identifiers: ClinVar variation 2585302 (VCV002585302.1), dbSNP rs2542304410, ClinGen allele CA2582341806.
Genomic context (GRCh38, chr13:23,340,949, plus strand): 5'-AAAACAAGCTTTAAGCAGCTAGTGGTCTTTAACTGTTCTATTTTCAACATGTTTGCCAGA[C>CAT]GAATAGTAGCTTCATCACTACTGTCTATTACTGAAATAGAAAGTCGCAGATCTGCTGGGA-3'